The following is an entry in ClinVar:

NM_005097.4(LGI1):c.744G>A (p.Glu248=)

Gene: LGI1 (leucine rich glioma inactivated 1; plus strand). Cytogenetic location: 10q23.33.
Variant type: single nucleotide variant.
Coding change: c.744G>A on transcript NM_005097.4 (MANE Select); coding-DNA position 744, G replaced by A.
Protein change: p.Glu248=; no amino-acid change (glutamic acid 248 retained).
Molecular consequence: synonymous variant. On other transcripts: non-coding transcript variant (1).
Genome position (GRCh38, 1-based): chr10:93,793,256, G>A. VCF-style: chr10-93793256-G-A. GRCh37 (hg19) VCF-style: chr10-95553013-G-A.
Other names: p.E248E:GAG>GAA; c.744G>A, p.Glu248= (NM_001308275.2); c.600G>A, p.Glu200= (NM_001308276.2).
Identifiers: ClinVar variation 138114 (VCV000138114.42), dbSNP rs199916185, ClinGen allele CA291923.

ClinVar aggregate classification (germline): Benign/Likely benign. Review status: criteria provided, multiple submitters, no conflicts (2 of 4 stars). 6 submissions from 6 submitters: Benign (1); Likely benign (3). 2 of the submissions do not count toward it. Last evaluated 2025-02-15.

Conditions:
Autosomal dominant epilepsy with auditory features. Identifiers: Orphanet 101046, MedGen C1838062, MONDO:0010898.

Allele frequency attached by ClinVar (database versions not stated): gnomAD 0.00003 and 0.00004; TOPMed 0.00003; gnomAD exomes 0.00004; ExAC 0.00007; ESP Exome Variant Server 0.00008; 1000 Genomes Project 30x 0.00016; 1000 Genomes Project 0.00020.
gnomAD v4.1: 69 of 1,611,398 alleles (0.0043%); highest among the groups gnomAD compares: Middle Eastern, 0.099%; 1 homozygote.

Submissions (6):

Labcorp Genetics (formerly Invitae), Labcorp
Classification: Likely benign for Autosomal dominant epilepsy with auditory features. Last evaluated: 2025-02-15. Review status: criteria provided, single submitter. Criteria: Invitae Variant Classification Sherloc (09022015). Collection method: clinical testing. Allele origin: germline.

Blueprint Genetics
Classification: Likely benign. Last evaluated: 2023-08-10. Review status: criteria provided, single submitter. Criteria: ACMG Guidelines, 2015. Collection method: clinical testing. Allele origin: germline.

CeGaT Center for Human Genetics Tuebingen
Classification: Likely benign. Last evaluated: 2023-08-01. Review status: criteria provided, single submitter. Criteria: CeGaT Center For Human Genetics Tuebingen Variant Classification Criteria Version 2. Collection method: clinical testing. Allele origin: germline. Affected: yes. Observed: 4 variant alleles.
Comment: LGI1: BP4, BP7

GeneDx
Classification: Benign. Last evaluated: 2013-04-09. Review status: criteria provided, single submitter. Criteria: GeneDx Variant Classification (06012015). Collection method: clinical testing. Allele origin: germline. Affected: yes.
Comment: This variant is considered likely benign or benign based on one or more of the following criteria: it is a conservative change, it occurs at a poorly conserved position in the protein, it is predicted to be benign by multiple in silico algorithms, and/or has population frequency not consistent with disease.

Clinical Genetics DNA and cytogenetics Diagnostics Lab, Erasmus MC, Erasmus Medical Center
Classification: Likely benign. Review status: no assertion criteria provided. Collection method: clinical testing. Allele origin: germline. Affected: yes. Study: VKGL Data-share Consensus. Not counted in ClinVar's aggregate classification.

Genome Diagnostics Laboratory, University Medical Center Utrecht
Classification: Likely benign. Review status: no assertion criteria provided. Collection method: clinical testing. Allele origin: germline. Affected: yes. Study: VKGL Data-share Consensus. Not counted in ClinVar's aggregate classification.